The following is an entry in ClinVar:

NC_000007.13:g.117243773_117243774insLINE

Gene: CFTR (CF transmembrane conductance regulator; plus strand). Cytogenetic location: 7q31.2.
Variant type: Insertion.
Identifiers: ClinVar variation 2026324 (VCV002026324.4).

ClinVar aggregate classification (germline): Pathogenic (1 of 4 stars; one submission).

Conditions:
Cystic fibrosis (CF). Also called: MUCOVISCIDOSIS. Identifiers: Orphanet 586, MedGen C0010674, MONDO:0009061, OMIM 219700. Disease mechanism: loss of function.

Submission:

Labcorp Genetics (formerly Invitae), Labcorp
Classification: Pathogenic for Cystic fibrosis. Last evaluated: 2025-01-27. Review status: criteria provided, single submitter. Criteria: Invitae Variant Classification Sherloc (09022015). Collection method: clinical testing. Allele origin: germline.
Comment: This sequence change inserts a large fragment of DNA, likely a transposable element, in exon 17 of the CFTR gene (c.2845_2846ins?), causing a frameshift at codon 949 (p.His949fs). The exact size and sequence of the insertion cannot be determined by the current assay. However, the insertion is expected to result in an absent or disrupted protein product. The frequency data for this variant in the population databases is considered unreliable, as metrics indicate insufficient coverage at this position in the gnomAD database. This variant has not been reported in the literature in individuals affected with CFTR-related conditions. Retrotransposon insertions including LINE1 (L1), Alu, and SVA (SINE-VNTR-Alu) have been reported to be disease-causing through disruption of either a coding region or splice site (PMID: 19763152, 20307669, 22406018) and loss-of-function variants in CFTR are known to be pathogenic (PMID: 1695717, 7691345, 9725922). For these reasons, this variant has been classified as Pathogenic.

Literature cited by the submitters: PubMed 19763152; PubMed 20307669; PubMed 22406018; PubMed 1695717; PubMed 7691345; PubMed 9725922.